The following is an entry in ClinVar:

ClinVar aggregate classification (germline): Benign. Review status: criteria provided, multiple submitters, no conflicts (2 of 4 stars). 3 submissions from 3 submitters: Benign (2). 1 of the submissions does not count toward it. Last evaluated 2019-04-10.

Conditions:
SHANK3-related disorder. Also called: SHANK3-related condition.

Allele frequency attached by ClinVar (database versions not stated): gnomAD exomes 0.00172 and 0.00435; ExAC 0.00576; gnomAD 0.01758 and 0.01890; ESP Exome Variant Server 0.01780; 1000 Genomes Project 30x 0.01921; 1000 Genomes Project 0.01937; TOPMed 0.01946.

Submissions (3):

GeneDx
Classification: Benign. Last evaluated: 2019-04-10. Review status: criteria provided, single submitter. Criteria: GeneDx Variant Classification Process June 2021. Collection method: clinical testing. Allele origin: germline. Affected: yes.

Breakthrough Genomics
Classification: Benign. Review status: criteria provided, single submitter. Criteria: ACMG Guidelines, 2015. Collection method: not provided. Allele origin: germline. Inheritance: Autosomal dominant inheritance. Affected: yes.

PreventionGenetics, part of Exact Sciences
Classification: Benign for SHANK3-related condition. Last evaluated: 2019-09-06. Review status: no assertion criteria provided. Collection method: clinical testing. Allele origin: germline. Not counted in ClinVar's aggregate classification.
Comment: This variant is classified as benign based on ACMG/AMP sequence variant interpretation guidelines (Richards et al. 2015 PMID: 25741868, with internal and published modifications).

NM_001372044.2(SHANK3):c.1112+9G>A

Gene: SHANK3 (SH3 and multiple ankyrin repeat domains 3; plus strand). Cytogenetic location: 22q13.33.
Variant type: single nucleotide variant.
Coding change: c.1112+9G>A on transcript NM_001372044.2 (MANE Select); 9 bases into the intron after coding-DNA position 1112, G replaced by A.
Molecular consequence: intron variant.
Genome position (GRCh38, 1-based): chr22:50,679,437, G>A. VCF-style: chr22-50679437-G-A. GRCh37 (hg19) VCF-style: chr22-51117865-G-A.
Other names: c.885+9G>A (NM_033517.1).
Identifiers: ClinVar variation 1233230 (VCV001233230.6), dbSNP rs77946357, ClinGen allele CA10325361.